The following is an entry in ClinVar:

ClinVar aggregate classification (germline): Uncertain significance (1 of 4 stars; one submission).

Conditions:
Bethlem myopathy 1A. Also called: MYOPATHY, BENIGN CONGENITAL, WITH CONTRACTURES; Bethlem myopathy 1; Bethlem Muscular Dystrophy. Identifiers: Orphanet 610, MedGen CN029274, MONDO:0024530, OMIM 158810.

Submission:

Labcorp Genetics (formerly Invitae), Labcorp
Classification: Uncertain significance for Bethlem myopathy 1A. Last evaluated: 2023-10-13. Review status: criteria provided, single submitter. Criteria: Invitae Variant Classification Sherloc (09022015). Collection method: clinical testing. Allele origin: germline.
Comment: This sequence change replaces valine, which is neutral and non-polar, with leucine, which is neutral and non-polar, at codon 1092 of the COL6A3 protein (p.Val1092Leu). This variant is not present in population databases (gnomAD no frequency). This variant has not been reported in the literature in individuals affected with COL6A3-related conditions. ClinVar contains an entry for this variant (Variation ID: 2112649). Advanced modeling of protein sequence and biophysical properties (such as structural, functional, and spatial information, amino acid conservation, physicochemical variation, residue mobility, and thermodynamic stability) performed at Invitae indicates that this missense variant is not expected to disrupt COL6A3 protein function. In summary, the available evidence is currently insufficient to determine the role of this variant in disease. Therefore, it has been classified as a Variant of Uncertain Significance.

NM_004369.4(COL6A3):c.3274G>C (p.Val1092Leu)

Gene: COL6A3 (collagen type VI alpha 3 chain; minus strand). Cytogenetic location: 2q37.3.
Variant type: single nucleotide variant.
Coding change: c.3274G>C on transcript NM_004369.4 (MANE Select); coding-DNA position 3274, G replaced by C.
Protein change: p.Val1092Leu; replaces valine 1092 with leucine.
Molecular consequence: missense variant.
Genome position (GRCh38, 1-based): chr2:237,374,817, C>G on the plus strand (G>C on the coding strand, the complement: COL6A3 is on the minus strand). VCF-style: chr2-237374817-C-G. GRCh37 (hg19) VCF-style: chr2-238283460-C-G.
Other names: c.2053G>C, p.Val685Leu (NM_057164.5); c.2656G>C, p.Val886Leu (NM_057165.5, NM_057167.4); c.1453G>C, p.Val485Leu (NM_057166.5); short protein forms V1092L, V685L, V886L, V485L.
Identifiers: ClinVar variation 2112649 (VCV002112649.4), dbSNP rs576798969, ClinGen allele CA351204020.